The following is an entry in ClinVar:

NM_018975.4(TERF2IP):c.331T>C (p.Ser111Pro)

Gene: TERF2IP (TERF2 interacting protein; plus strand). Cytogenetic location: 16q23.1.
Variant type: single nucleotide variant.
Coding change: c.331T>C on transcript NM_018975.4 (MANE Select); coding-DNA position 331, T replaced by C.
Protein change: p.Ser111Pro; replaces serine 111 with proline.
Molecular consequence: missense variant. On other transcripts: non-coding transcript variant (1).
Genome position (GRCh38, 1-based): chr16:75,648,213, T>C. VCF-style: chr16-75648213-T-C. GRCh37 (hg19) VCF-style: chr16-75682111-T-C.
Other names: short protein forms S111P.
Identifiers: ClinVar variation 2497033 (VCV002497033.5), dbSNP rs2507073619, ClinGen allele CA396817683.

ClinVar aggregate classification (germline): Conflicting classifications of pathogenicity. Review status: criteria provided, conflicting classifications (1 of 4 stars). 2 submissions from 2 submitters: Uncertain significance (1); Likely benign (1). Last evaluated 2023-03-02.

Submissions (2):

Labcorp Genetics (formerly Invitae), Labcorp
Classification: Uncertain significance. Last evaluated: 2023-03-02. Review status: criteria provided, single submitter. Criteria: Invitae Variant Classification Sherloc (09022015). Collection method: clinical testing. Allele origin: germline.
Comment: In summary, the available evidence is currently insufficient to determine the role of this variant in disease. Therefore, it has been classified as a Variant of Uncertain Significance. Algorithms developed to predict the effect of missense changes on protein structure and function output the following: SIFT: "Not Available"; PolyPhen-2: "Benign"; Align-GVGD: "Not Available". The proline amino acid residue is found in multiple mammalian species, which suggests that this missense change does not adversely affect protein function. This variant has not been reported in the literature in individuals affected with TERF2IP-related conditions. This variant is not present in population databases (gnomAD no frequency). This sequence change replaces serine, which is neutral and polar, with proline, which is neutral and non-polar, at codon 111 of the TERF2IP protein (p.Ser111Pro).

Ambry Genetics
Classification: Likely benign. Last evaluated: 2022-11-27. Review status: criteria provided, single submitter. Criteria: Ambry Variant Classification Scheme 2023. Collection method: clinical testing. Allele origin: germline.